The following is an entry in ClinVar:

ClinVar aggregate classification (germline): Uncertain significance (1 of 4 stars; one submission).

Allele frequency attached by ClinVar (database versions not stated): ESP Exome Variant Server 0.00008; gnomAD exomes 0.00001; ExAC 0.00001; gnomAD 0.00002; TOPMed 0.00002.
gnomAD v4.1: 12 of 1,570,720 alleles (0.00076%); highest among the groups gnomAD compares: African/African-American, 0.0082%; no homozygotes.

Submission:

Labcorp Genetics (formerly Invitae), Labcorp
Classification: Uncertain significance. Last evaluated: 2025-09-09. Review status: criteria provided, single submitter. Criteria: Invitae Variant Classification Sherloc (09022015). Collection method: clinical testing. Allele origin: germline.
Comment: This sequence change replaces arginine, which is basic and polar, with tryptophan, which is neutral and slightly polar, at codon 630 of the DHX32 protein (p.Arg630Trp). This variant is present in population databases (rs373474850, gnomAD 0.01%). This variant has not been reported in the literature in individuals affected with DHX32-related conditions. ClinVar contains an entry for this variant (Variation ID: 1447312). An algorithm developed to predict the effect of missense changes on protein structure and function (PolyPhen-2) suggests that this variant is likely to be disruptive. In summary, the available evidence is currently insufficient to determine the role of this variant in disease. Therefore, it has been classified as a Variant of Uncertain Significance.

NM_018180.3(DHX32):c.1888C>T (p.Arg630Trp)

Genes: BCCIP (BRCA2 and CDKN1A interacting protein; plus strand), DHX32 (DEAH-box helicase 32 (putative); minus strand). Cytogenetic location: 10q26.2.
Variant type: single nucleotide variant.
Coding change: c.1888C>T on transcript NM_018180.3 (MANE Select); coding-DNA position 1888, C replaced by T.
Protein change: p.Arg630Trp; replaces arginine 630 with tryptophan.
Molecular consequence: missense variant. On other transcripts: intron variant (2).
Genome position (GRCh38, 1-based): chr10:125,838,381, G>A on the plus strand (C>T on the coding strand, the complement: DHX32 is on the minus strand). VCF-style: chr10-125838381-G-A. GRCh37 (hg19) VCF-style: chr10-127526950-G-A.
Other names: c.775-2874G>A (NM_016567.4, NM_078469.3); short protein forms R630W.
Identifiers: ClinVar variation 1447312 (VCV001447312.6), dbSNP rs373474850, ClinGen allele CA5739015.